The following is an entry in ClinVar:

NM_005097.4(LGI1):c.720C>T (p.Asp240=)

Gene: LGI1 (leucine rich glioma inactivated 1; plus strand). Cytogenetic location: 10q23.33.
Variant type: single nucleotide variant.
Coding change: c.720C>T on transcript NM_005097.4 (MANE Select); coding-DNA position 720, C replaced by T.
Protein change: p.Asp240=; no amino-acid change (aspartic acid 240 retained).
Molecular consequence: synonymous variant. On other transcripts: non-coding transcript variant (1).
Genome position (GRCh38, 1-based): chr10:93,793,232, C>T. VCF-style: chr10-93793232-C-T. GRCh37 (hg19) VCF-style: chr10-95552989-C-T.
Other names: c.720C>T, p.Asp240= (NM_001308275.2); c.576C>T, p.Asp192= (NM_001308276.2).
Identifiers: ClinVar variation 4084673 (VCV004084673.8).
Genomic context (GRCh38, chr10:93,793,232, plus strand): 5'-TCCTATTTTTGCAGAATTTGCAAAGTCTCAAGACCTGCCTTATCAATCATTGTCCATAGA[C>T]ACTTTTTCTTATTTGAATGATGAGTATGTAGTCATCGCTCAGCCTTTTACTGGAAAATGC-3'
Protein context (NP_005088.1, residues 230-250): QDLPYQSLSI[Asp240=]TFSYLNDEYV

ClinVar aggregate classification (germline): Likely benign (1 of 4 stars; one submission).

Submission:

CeGaT Center for Human Genetics Tuebingen
Classification: Likely benign. Last evaluated: 2025-08-01. Review status: criteria provided, single submitter. Criteria: CeGaT Center For Human Genetics Tuebingen Variant Classification Criteria Version 2. Collection method: clinical testing. Allele origin: germline. Affected: yes. Observed: 1 variant allele.
Comment: LGI1: PM2:Supporting, BP4, BP7